The following is an entry in ClinVar:

NM_014727.3(KMT2B):c.3261T>A (p.Asp1087Glu)

Gene: KMT2B (lysine methyltransferase 2B; plus strand). Cytogenetic location: 19q13.12.
Variant type: single nucleotide variant.
Coding change: c.3261T>A on transcript NM_014727.3 (MANE Select); coding-DNA position 3261, T replaced by A.
Protein change: p.Asp1087Glu; replaces aspartic acid 1087 with glutamic acid.
Molecular consequence: missense variant.
Genome position (GRCh38, 1-based): chr19:35,723,934, T>A. VCF-style: chr19-35723934-T-A. GRCh37 (hg19) VCF-style: chr19-36214835-T-A.
Other names: short protein forms D1087E.
Identifiers: ClinVar variation 2636296 (VCV002636296.2), dbSNP rs2513325991, ClinGen allele CA405405084.

ClinVar aggregate classification (germline): Uncertain significance (1 of 4 stars; one submission).

Conditions:
KMT2B-related disorder. Also called: KMT2B-related condition; KMT2B-related disorders. Identifiers: MedGen CN381338.

Submission:

PreventionGenetics, part of Exact Sciences
Classification: Uncertain significance for KMT2B-related condition. Last evaluated: 2024-10-28. Review status: criteria provided, single submitter. Criteria: ACMG Guidelines, 2015. Collection method: clinical testing. Allele origin: germline.
Comment: The KMT2B c.3261T>A variant is predicted to result in the amino acid substitution p.Asp1087Glu. To our knowledge, this variant has not been reported in the literature or in gnomAD, indicating this variant is rare. At this time, the clinical significance of this variant is uncertain due to the absence of conclusive functional and genetic evidence.